The following is an entry in ClinVar:

ClinVar aggregate classification (germline): Uncertain significance. Review status: criteria provided, multiple submitters, no conflicts (2 of 4 stars). 3 submissions from 3 submitters: Uncertain significance (3). Last evaluated 2025-07-28.

Conditions:
Polycystic kidney disease, adult type (PKD1). Also called: Polycystic Kidney, Autosomal Dominant; Polycystic Kidney Disease 1, Autosomal Dominant; Polycystic kidney disease 1; Polycystic kidney disease 1, severe; POLYCYSTIC KIDNEY DISEASE, ADULT, TYPE I; POLYCYSTIC KIDNEY DISEASE 1 WITH OR WITHOUT POLYCYSTIC LIVER DISEASE. Identifiers: MedGen C3149841, MONDO:0008263, OMIM 173900.

Allele frequency attached by ClinVar (database versions not stated): gnomAD exomes 0.00001 and 0.00003; gnomAD 0.00003 and 0.00004; TOPMed 0.00005; ExAC 0.00004.
gnomAD v4.1: 22 of 1,558,936 alleles (0.0014%); highest among the groups gnomAD compares: South Asian, 0.01%; no homozygotes.

Submissions (3):

Women's Health and Genetics/Laboratory Corporation of America, LabCorp
Classification: Uncertain significance. Last evaluated: 2025-07-28. Review status: criteria provided, single submitter. Criteria: LabCorp Variant Classification Summary - May 2015. Collection method: clinical testing. Allele origin: germline.
Comment: Variant summary: PKD1 c.10804G>A (p.Gly3602Ser) results in a non-conservative amino acid change in the encoded protein sequence. Algorithms developed to predict the effect of missense changes on protein structure and function are either unavailable or do not agree on the potential impact of this missense change. The variant allele was found at a frequency of 2.9e-05 in 170810 control chromosomes (gnomAD). The available data on variant occurrences in the general population are insufficient to allow any conclusion about variant significance. c.10804G>A has been observed in individuals affected with autosomal dominant polycystic kidney disease (Eo_2002). The report does not provide unequivocal conclusions about association of the variant with PKD1-Biallelic Autosomal Recessive Polycystic Kidney Disease. To our knowledge, no experimental evidence demonstrating an impact on protein function has been reported. The following publications have been ascertained in the context of this evaluation (PMID: 12220456, 30476936). ClinVar contains an entry for this variant (Variation ID: 807953). Based on the evidence outlined above, the variant was classified as uncertain significance.

Fulgent Genetics
Classification: Uncertain significance for Polycystic kidney disease, adult type. Last evaluated: 2024-06-14. Review status: criteria provided, single submitter. Criteria: ACMG Guidelines, 2015. Collection method: clinical testing. Allele origin: germline.

CeGaT Center for Human Genetics Tuebingen
Classification: Uncertain significance. Last evaluated: 2016-08-01. Review status: criteria provided, single submitter. Criteria: CeGaT Center For Human Genetics Tuebingen Variant Classification Criteria Version 2. Collection method: clinical testing. Allele origin: germline. Affected: yes. Observed: 1 variant allele.

Literature cited by the submitters: PubMed 30476936 (cited by Women's Health and Genetics/Laboratory Corporation of America, LabCorp); PubMed 12220456 (cited by Women's Health and Genetics/Laboratory Corporation of America, LabCorp).

NM_001009944.3(PKD1):c.10804G>A (p.Gly3602Ser)

Genes: PKD1 (polycystin 1, transient receptor potential channel interacting; minus strand), PKD1-AS1 (PKD1 antisense RNA 1; plus strand). Cytogenetic location: 16p13.3.
Variant type: single nucleotide variant.
Coding change: c.10804G>A on transcript NM_001009944.3 (MANE Select); coding-DNA position 10804, G replaced by A.
Protein change: p.Gly3602Ser; replaces glycine 3602 with serine.
Molecular consequence: missense variant.
Genome position (GRCh38, 1-based): chr16:2,093,828, C>T on the plus strand (G>A on the coding strand, the complement: PKD1 is on the minus strand). VCF-style: chr16-2093828-C-T. GRCh37 (hg19) VCF-style: chr16-2143829-C-T.
Other names: c.10801G>A, p.Gly3601Ser (NM_000296.4); short protein forms G3602S, G3601S.
Identifiers: ClinVar variation 807953 (VCV000807953.45), dbSNP rs781492044, ClinGen allele CA7829429.